The following is an entry in ClinVar:

NM_000103.4(CYP19A1):c.1350C>G (p.Ile450Met)

Genes: CYP19A1 (cytochrome P450 family 19 subfamily A member 1; minus strand), MIR4713HG (MIR4713 host gene; plus strand), PIRC66 (piwi-interacting RNA cluster 66; plus strand). Cytogenetic location: 15q21.2.
Variant type: single nucleotide variant.
Coding change: c.1350C>G on transcript NM_000103.4 (MANE Select); coding-DNA position 1350, C replaced by G.
Protein change: p.Ile450Met; replaces isoleucine 450 with methionine.
Molecular consequence: missense variant.
Genome position (GRCh38, 1-based): chr15:51,210,970, G>C on the plus strand (C>G on the coding strand, the complement: CYP19A1 is on the minus strand). VCF-style: chr15-51210970-G-C. GRCh37 (hg19) VCF-style: chr15-51503167-G-C.
Other names: c.1350C>G, p.Ile450Met (NM_001347248.1, NM_001347249.2, NM_001347250.2 and 7 more transcripts); short protein forms I450M.
Identifiers: ClinVar variation 4996775 (VCV004996775.1).

ClinVar aggregate classification (germline): Uncertain significance (1 of 4 stars; one submission).

Conditions:
CYP19A1-related disorder. Also called: CYP19A1-related condition.

gnomAD v4.1: 1 of 1,606,484 alleles (0.000062%); highest among the groups gnomAD compares: Non-Finnish European, 0.000085%; no homozygotes.

Submission:

PreventionGenetics, part of Exact Sciences
Classification: Uncertain significance for CYP19A1-related condition. Last evaluated: 2024-10-28. Review status: criteria provided, single submitter. Criteria: ACMG Guidelines, 2015. Collection method: clinical testing. Allele origin: germline.
Comment: The CYP19A1 c.1350C>G variant is predicted to result in the amino acid substitution p.Ile450Met. To our knowledge, this variant has not been reported in the literature or in a large population database (gnomAD), indicating this variant is rare. At this time, the clinical significance of this variant is uncertain due to the absence of conclusive functional and genetic evidence.